The following is an entry in ClinVar:

NM_014159.7(SETD2):c.4814A>G (p.Tyr1605Cys)

Gene: SETD2 (SET domain containing 2, histone lysine methyltransferase; minus strand). Cytogenetic location: 3p21.31.
Variant type: single nucleotide variant.
Coding change: c.4814A>G on transcript NM_014159.7 (MANE Select); coding-DNA position 4814, A replaced by G.
Protein change: p.Tyr1605Cys; replaces tyrosine 1605 with cysteine.
Molecular consequence: missense variant. On other transcripts: non-coding transcript variant (1).
Genome position (GRCh38, 1-based): chr3:47,106,022, T>C on the plus strand (A>G on the coding strand, the complement: SETD2 is on the minus strand). VCF-style: chr3-47106022-T-C. GRCh37 (hg19) VCF-style: chr3-47147512-T-C.
Other names: c.4682A>G, p.Tyr1561Cys (NM_001349370.3); short protein forms Y1561C, Y1605C.
Identifiers: ClinVar variation 4528316 (VCV004528316.1).

ClinVar aggregate classification (germline): Likely pathogenic (1 of 4 stars; one submission).

Submission:

GeneDx
Classification: Likely pathogenic. Last evaluated: 2025-04-23. Review status: criteria provided, single submitter. Criteria: GeneDx Variant Classification Process June 2021. Collection method: clinical testing. Allele origin: germline. Affected: yes.
Comment: Not observed at significant frequency in large population cohorts (gnomAD); In silico analysis supports that this missense variant has a deleterious effect on protein structure/function; Has not been previously reported as germline pathogenic or benign variant to our knowledge; This variant is associated with the following publications: (PMID: 29445290)